The following is an entry in ClinVar:

NM_001267550.2(TTN):c.66943T>G (p.Phe22315Val)

Genes: TTN (titin; minus strand), TTN-AS1 (TTN antisense RNA 1; plus strand). Cytogenetic location: 2q31.2.
Variant type: single nucleotide variant.
Coding change: c.66943T>G on transcript NM_001267550.2 (MANE Select); coding-DNA position 66943, T replaced by G.
Protein change: p.Phe22315Val; replaces phenylalanine 22315 with valine.
Molecular consequence: missense variant.
Genome position (GRCh38, 1-based): chr2:178,580,436, A>C on the plus strand (T>G on the coding strand, the complement: TTN is on the minus strand). VCF-style: chr2-178580436-A-C. GRCh37 (hg19) VCF-style: chr2-179445163-A-C.
Other names: c.62020T>G, p.Phe20674Val (NM_001256850.1); c.39748T>G, p.Phe13250Val (NM_003319.4); c.59239T>G, p.Phe19747Val (NM_133378.4); c.40123T>G, p.Phe13375Val (NM_133432.3); c.40324T>G, p.Phe13442Val (NM_133437.4); short protein forms F13250V, F13375V, F13442V, F19747V, F20674V, F22315V.
Identifiers: ClinVar variation 1712702 (VCV001712702.3), dbSNP rs746811214, ClinGen allele CA1991399.

ClinVar aggregate classification (germline): Uncertain significance. Review status: criteria provided, multiple submitters, no conflicts (2 of 4 stars). 2 submissions from 2 submitters: Uncertain significance (2). Last evaluated 2026-09-04.

Conditions:
TTN-related disorder. Also called: TTN-related disorders; TTN-related condition; TTN-related disease.

Allele frequency attached by ClinVar (database versions not stated): gnomAD exomes 0.00001; TOPMed 0.00001; ExAC 0.00002; gnomAD 0.00002.
gnomAD v4.1: 18 of 1,613,154 alleles (0.0011%); highest among the groups gnomAD compares: Non-Finnish European, 0.000085%; no homozygotes.

Submissions (2):

PreventionGenetics, part of Exact Sciences
Classification: Uncertain significance for TTN-related condition. Last evaluated: 2026-09-04. Review status: criteria provided, single submitter. Criteria: ACMG Guidelines, 2015. Collection method: clinical testing. Allele origin: germline.
Comment: The TTN c.66943T>G variant is predicted to result in the amino acid substitution p.Phe22315Val. To our knowledge, this variant has not been reported in the literature. This variant is reported in 0.050% of alleles in individuals of Ashkenazi Jewish descent in gnomAD. At this time, the clinical significance of this variant is uncertain due to the absence of conclusive functional and genetic evidence.

GeneDx
Classification: Uncertain significance. Last evaluated: 2022-10-30. Review status: criteria provided, single submitter. Criteria: GeneDx Variant Classification Process June 2021. Collection method: clinical testing. Allele origin: germline. Affected: yes.
Comment: Not observed at significant frequency in large population cohorts (gnomAD); Missense variant in a gene in which most reported pathogenic variants are truncating/loss of function; Has not been previously published as pathogenic or benign to our knowledge